The following is an entry in ClinVar:

NM_005557.4(KRT16):c.989G>A (p.Arg330His)

Gene: KRT16 (keratin 16; minus strand). Cytogenetic location: 17q21.2.
Variant type: single nucleotide variant.
Coding change: c.989G>A on transcript NM_005557.4 (MANE Select); coding-DNA position 989, G replaced by A.
Protein change: p.Arg330His; replaces arginine 330 with histidine.
Molecular consequence: missense variant.
Genome position (GRCh38, 1-based): chr17:41,610,924, C>T on the plus strand (G>A on the coding strand, the complement: KRT16 is on the minus strand). VCF-style: chr17-41610924-C-T. GRCh37 (hg19) VCF-style: chr17-39767176-C-T.
Other names: short protein forms R330H.
Identifiers: ClinVar variation 432275 (VCV000432275.2), dbSNP rs140407898, ClinGen allele CA8563036.

ClinVar aggregate classification (germline): Uncertain significance (1 of 4 stars; one submission).

Allele frequency attached by ClinVar (database versions not stated): TOPMed 0.00007.

Submission:

GeneDx
Classification: Uncertain significance. Last evaluated: 2017-06-02. Review status: criteria provided, single submitter. Criteria: GeneDx Variant Classification (06012015). Collection method: clinical testing. Allele origin: germline. Affected: yes.
Comment: The R330H variant in the KRT16 gene has not been reported previously as a pathogenic variant, nor as a benign variant, to our knowledge. The R330H variant is observed in 2/66644 (0.003%) alleles from individuals of European background, in the ExAC dataset (Lek et al., 2016). The R330H variant is a conservative amino acid substitution, which is not likely to impact secondary protein structure as these residues share similar properties. This substitution occurs at a position that is not conserved. In silico analysis is inconsistent in its predictions as to whether or not the variant is damaging to the protein structure/function. We interpret R330H as a variant of uncertain significance.